The following is an entry in ClinVar:

ClinVar aggregate classification (germline): Uncertain significance. Review status: criteria provided, multiple submitters, no conflicts (2 of 4 stars). 2 submissions from 2 submitters: Uncertain significance (2). Last evaluated 2022-08-22.

Allele frequency attached by ClinVar (database versions not stated): gnomAD exomes below 0.00001.
gnomAD v4.1: 1 of 1,613,990 alleles (0.000062%); highest among the groups gnomAD compares: Non-Finnish European, 0.000085%; no homozygotes.

Submissions (2):

Labcorp Genetics (formerly Invitae), Labcorp
Classification: Uncertain significance. Last evaluated: 2022-08-22. Review status: criteria provided, single submitter. Criteria: Invitae Variant Classification Sherloc (09022015). Collection method: clinical testing. Allele origin: germline.
Comment: In summary, the available evidence is currently insufficient to determine the role of this variant in disease. Therefore, it has been classified as a Variant of Uncertain Significance. Variants that disrupt the consensus splice site are a relatively common cause of aberrant splicing (PMID: 17576681, 9536098). Algorithms developed to predict the effect of sequence changes on RNA splicing suggest that this variant may create or strengthen a splice site. This variant has not been reported in the literature in individuals affected with COL2A1-related conditions. This variant is not present in population databases (gnomAD no frequency). This sequence change falls in intron 52 of the COL2A1 gene. It does not directly change the encoded amino acid sequence of the COL2A1 protein. It affects a nucleotide within the consensus splice site.

Blueprint Genetics
Classification: Uncertain significance. Last evaluated: 2022-01-31. Review status: criteria provided, single submitter. Criteria: ACMG Guidelines, 2015. Collection method: clinical testing. Allele origin: germline.

Literature cited by the submitters: PubMed 17576681 (cited by Labcorp Genetics (formerly Invitae), Labcorp); PubMed 9536098 (cited by Labcorp Genetics (formerly Invitae), Labcorp).

NM_001844.5(COL2A1):c.4074+5G>A

Gene: COL2A1 (collagen type II alpha 1 chain; minus strand). Cytogenetic location: 12q13.11.
Variant type: single nucleotide variant.
Coding change: c.4074+5G>A on transcript NM_001844.5 (MANE Select); 5 bases into the intron after coding-DNA position 4074, G replaced by A.
Molecular consequence: intron variant.
Genome position (GRCh38, 1-based): chr12:47,974,670, C>T on the plus strand (G>A on the coding strand, the complement: COL2A1 is on the minus strand). VCF-style: chr12-47974670-C-T. GRCh37 (hg19) VCF-style: chr12-48368453-C-T.
Other names: c.3867+5G>A (NM_033150.3).
Identifiers: ClinVar variation 2073932 (VCV002073932.5), dbSNP rs2540096941, ClinGen allele CA2580085621.